The following is an entry in ClinVar:

NM_015910.7(WDPCP):c.1991A>T (p.Glu664Val)

Gene: WDPCP (WD repeat containing planar cell polarity effector; minus strand). Cytogenetic location: 2p15.
Variant type: single nucleotide variant.
Coding change: c.1991A>T on transcript NM_015910.7 (MANE Select); coding-DNA position 1991, A replaced by T.
Protein change: p.Glu664Val; replaces glutamic acid 664 with valine.
Molecular consequence: missense variant. On other transcripts: non-coding transcript variant (3).
Genome position (GRCh38, 1-based): chr2:63,174,757, T>A on the plus strand (A>T on the coding strand, the complement: WDPCP is on the minus strand). VCF-style: chr2-63174757-T-A. GRCh37 (hg19) VCF-style: chr2-63401892-T-A.
Other names: c.1991A>T (NM_015910.5); c.1514A>T, p.Glu505Val (NM_001042692.3); c.1919A>T, p.Glu640Val (NM_001354044.2); short protein forms E505V, E640V, E664V.
Identifiers: ClinVar variation 2173892 (VCV002173892.3), dbSNP rs1374797094, ClinGen allele CA347056656.

ClinVar aggregate classification (germline): Uncertain significance. Review status: criteria provided, multiple submitters, no conflicts (2 of 4 stars). 3 submissions from 3 submitters: Uncertain significance (3). Last evaluated 2025-08-23.

Conditions:
Heart defect - tongue hamartoma - polysyndactyly syndrome. Also called: Congenital heart defects, hamartomas of tongue, and polysyndactyly. Identifiers: Orphanet 1338, MedGen C1857587, MONDO:0009008, OMIM 217085.
Bardet-Biedl syndrome 15 (BBS15). Identifiers: Orphanet 110, MedGen C3150127, MONDO:0014443, OMIM 615992.
Inborn genetic diseases. Identifiers: MedGen C0950123, MeSH D030342.
Bardet-Biedl syndrome (BBS). Identifiers: Orphanet 110, MedGen C0752166, MONDO:0015229.

Allele frequency attached by ClinVar (database versions not stated): gnomAD exomes below 0.00001; gnomAD 0.00001; TOPMed 0.00001.
gnomAD v4.1: 3 of 1,613,842 alleles (0.00019%); highest among the groups gnomAD compares: Admixed American, 0.005%; no homozygotes.

Submissions (3):

Ambry Genetics
Classification: Uncertain significance for Inborn genetic diseases. Last evaluated: 2025-08-23. Review status: criteria provided, single submitter. Criteria: Ambry Variant Classification Scheme 2023. Collection method: clinical testing. Allele origin: germline.

Fulgent Genetics
Classification: Uncertain significance for Heart defect - tongue hamartoma - polysyndactyly syndrome; Bardet-Biedl syndrome 15. Last evaluated: 2024-01-20. Review status: criteria provided, single submitter. Criteria: ACMG Guidelines, 2015. Collection method: clinical testing. Allele origin: germline.

Labcorp Genetics (formerly Invitae), Labcorp
Classification: Uncertain significance for Bardet-Biedl syndrome. Last evaluated: 2022-08-19. Review status: criteria provided, single submitter. Criteria: Invitae Variant Classification Sherloc (09022015). Collection method: clinical testing. Allele origin: germline.
Comment: This sequence change replaces glutamic acid, which is acidic and polar, with valine, which is neutral and non-polar, at codon 664 of the WDPCP protein (p.Glu664Val). This variant is present in population databases (no rsID available, gnomAD 0.003%). This variant has not been reported in the literature in individuals affected with WDPCP-related conditions. Algorithms developed to predict the effect of missense changes on protein structure and function (SIFT, PolyPhen-2, Align-GVGD) all suggest that this variant is likely to be tolerated. Algorithms developed to predict the effect of sequence changes on RNA splicing suggest that this variant may disrupt the consensus splice site. In summary, the available evidence is currently insufficient to determine the role of this variant in disease. Therefore, it has been classified as a Variant of Uncertain Significance.